The following is an entry in ClinVar:

ClinVar aggregate classification (germline): Uncertain significance (1 of 4 stars; one submission).

Conditions:
Luscan-Lumish syndrome. Identifiers: Orphanet 597738, MedGen C4085873, MONDO:0014791, OMIM 616831.

Allele frequency attached by ClinVar (database versions not stated): gnomAD 0.00001; ExAC 0.00002; gnomAD exomes 0.00002; TOPMed 0.00002; 1000 Genomes Project 0.00020; 1000 Genomes Project 30x 0.00031.
gnomAD v4.1: 17 of 1,613,946 alleles (0.0011%); highest among the groups gnomAD compares: Admixed American, 0.0017%; no homozygotes.

Submission:

Labcorp Genetics (formerly Invitae), Labcorp
Classification: Uncertain significance for Luscan-Lumish syndrome. Last evaluated: 2024-06-14. Review status: criteria provided, single submitter. Criteria: Invitae Variant Classification Sherloc (09022015). Collection method: clinical testing. Allele origin: germline.
Comment: This sequence change replaces cysteine, which is neutral and slightly polar, with tryptophan, which is neutral and slightly polar, at codon 836 of the SETD2 protein (p.Cys836Trp). This variant is present in population databases (rs142668029, gnomAD 0.0009%). This variant has not been reported in the literature in individuals affected with SETD2-related conditions. ClinVar contains an entry for this variant (Variation ID: 1011429). Advanced modeling of protein sequence and biophysical properties (such as structural, functional, and spatial information, amino acid conservation, physicochemical variation, residue mobility, and thermodynamic stability) performed at Invitae indicates that this missense variant is not expected to disrupt SETD2 protein function with a negative predictive value of 80%. In summary, the available evidence is currently insufficient to determine the role of this variant in disease. Therefore, it has been classified as a Variant of Uncertain Significance.

NM_014159.7(SETD2):c.2508T>G (p.Cys836Trp)

Gene: SETD2 (SET domain containing 2, histone lysine methyltransferase; minus strand). Cytogenetic location: 3p21.31.
Variant type: single nucleotide variant.
Coding change: c.2508T>G on transcript NM_014159.7 (MANE Select); coding-DNA position 2508, T replaced by G.
Protein change: p.Cys836Trp; replaces cysteine 836 with tryptophan.
Molecular consequence: missense variant. On other transcripts: non-coding transcript variant (1).
Genome position (GRCh38, 1-based): chr3:47,122,128, A>C on the plus strand (T>G on the coding strand, the complement: SETD2 is on the minus strand). VCF-style: chr3-47122128-A-C. GRCh37 (hg19) VCF-style: chr3-47163618-A-C.
Other names: c.2376T>G, p.Cys792Trp (NM_001349370.3); short protein forms C792W, C836W.
Identifiers: ClinVar variation 1011429 (VCV001011429.5), dbSNP rs142668029, ClinGen allele CA2363524.